The following is an entry in ClinVar:

NM_000059.4(BRCA2):c.8713_8716del (p.Tyr2905fs)

Gene: BRCA2 (BRCA2 DNA repair associated; plus strand). Cytogenetic location: 13q13.1.
Variant type: Deletion.
Coding change: c.8713_8716del on transcript NM_000059.4 (MANE Select); coding-DNA positions 8713 to 8716, 4 bases deleted (TATG; older notation c.8713_8716delTATG).
Protein change: p.Tyr2905fs; shifts the reading frame from tyrosine 2905.
Molecular consequence: frameshift variant.
Genome position (GRCh38, 1-based): chr13:32,376,750-32,376,753, TATG deleted. VCF-style (leftmost placement, unchanged base first): chr13-32376749-TTATG-T. GRCh37 (hg19) VCF-style: chr13-32950886-TTATG-T.
Other names: 8941del4; c.8713_8716delTATG (NM_000059.3); short protein forms Y2905fs.
Identifiers: ClinVar variation 52660 (VCV000052660.4), dbSNP rs80359726, ClinGen allele CA025790.

ClinVar aggregate classification (germline): Pathogenic. Review status: reviewed by expert panel (3 of 4 stars). 2 submissions from 2 submitters: Pathogenic (1). 1 of the submissions does not count toward it. Last evaluated 2016-09-08.

Conditions:
Breast-ovarian cancer, familial, susceptibility to, 2 (BROVCA2). Also called: BRCA2 Hereditary Breast and Ovarian Cancer. Identifiers: Orphanet 145, MedGen C2675520, MONDO:0012933, OMIM 612555. Disease mechanism: loss of function.

Submissions (2):

Evidence-based Network for the Interpretation of Germline Mutant Alleles (ENIGMA)
Classification: Pathogenic for Breast-ovarian cancer, familial, susceptibility to, 2. Last evaluated: 2016-09-08. Review status: reviewed by expert panel. Criteria: ENIGMA BRCA1/2 Classification Criteria (2015). Collection method: curation. Allele origin: germline.
Comment: Variant allele predicted to encode a truncated non-functional protein.

Breast Cancer Information Core (BIC) (BRCA2)
Classification: Pathogenic for Breast-ovarian cancer, familial 2. Review status: no assertion criteria provided. Collection method: clinical testing. Allele origin: germline. Affected: yes. Observed: 1 variant allele. Not counted in ClinVar's aggregate classification.